The following is an entry in ClinVar:

ClinVar aggregate classification (germline): Uncertain significance. Review status: criteria provided, multiple submitters, no conflicts (2 of 4 stars). 2 submissions from 2 submitters: Uncertain significance (2). Last evaluated 2025-09-01.

Conditions:
Inborn genetic diseases. Identifiers: MedGen C0950123, MeSH D030342.

Allele frequency attached by ClinVar (database versions not stated): gnomAD 0.00001; gnomAD exomes 0.00001.
gnomAD v4.1: 67 of 1,613,744 alleles (0.0042%); highest among the groups gnomAD compares: Non-Finnish European, 0.0052%; no homozygotes.

Submissions (2):

Ambry Genetics
Classification: Uncertain significance for Inborn genetic diseases. Last evaluated: 2025-09-01. Review status: criteria provided, single submitter. Criteria: Ambry Variant Classification Scheme 2023. Collection method: clinical testing. Allele origin: germline.

Labcorp Genetics (formerly Invitae), Labcorp
Classification: Uncertain significance. Last evaluated: 2023-12-11. Review status: criteria provided, single submitter. Criteria: Invitae Variant Classification Sherloc (09022015). Collection method: clinical testing. Allele origin: germline.
Comment: This sequence change replaces arginine, which is basic and polar, with glutamine, which is neutral and polar, at codon 479 of the DMXL2 protein (p.Arg479Gln). This variant is present in population databases (no rsID available, gnomAD 0.002%). This variant has not been reported in the literature in individuals affected with DMXL2-related conditions. ClinVar contains an entry for this variant (Variation ID: 1369105). Algorithms developed to predict the effect of missense changes on protein structure and function output the following: SIFT: "Not Available"; PolyPhen-2: "Benign"; Align-GVGD: "Not Available". The glutamine amino acid residue is found in multiple mammalian species, which suggests that this missense change does not adversely affect protein function. In summary, the available evidence is currently insufficient to determine the role of this variant in disease. Therefore, it has been classified as a Variant of Uncertain Significance.

NM_001378457.1(DMXL2):c.1436G>A (p.Arg479Gln)

Gene: DMXL2 (Dmx like 2; minus strand). Cytogenetic location: 15q21.2.
Variant type: single nucleotide variant.
Coding change: c.1436G>A on transcript NM_001378457.1 (MANE Select); coding-DNA position 1436, G replaced by A.
Protein change: p.Arg479Gln; replaces arginine 479 with glutamine.
Molecular consequence: missense variant. On other transcripts: non-coding transcript variant (2).
Genome position (GRCh38, 1-based): chr15:51,537,669, C>T on the plus strand (G>A on the coding strand, the complement: DMXL2 is on the minus strand). VCF-style: chr15-51537669-C-T. GRCh37 (hg19) VCF-style: chr15-51829866-C-T.
Other names: c.1436G>A (NM_001174116.1); c.1436G>A, p.Arg479Gln (NM_001174116.3, NM_001174117.3, NM_001378458.1 and 6 more transcripts); c.1196G>A, p.Arg399Gln (NM_001378464.1); short protein forms R399Q, R479Q.
Identifiers: ClinVar variation 1369105 (VCV001369105.8), dbSNP rs1331583394, ClinGen allele CA392467640.
Genomic context (GRCh38, chr15:51,537,669, plus strand): 5'-AGCAGCGTTTCAATCTTCCGATCAAGCAGAACCGTAGGCAGTGGCATTGGTACACTAAGT[C>T]GTGAGTAAGTTCTAGGACTTCCTTCTCTTTCTCCATCTTCATGTTCTGATGATCCTGTAC-3'
Protein context (NP_001365386.1, residues 469-489): EREGSPRTYS[Arg479Gln]LSVPMPLPTV